The following is an entry in ClinVar:

NM_000069.3(CACNA1S):c.1045A>G (p.Thr349Ala)

Gene: CACNA1S (calcium voltage-gated channel subunit alpha1 S; minus strand). Cytogenetic location: 1q32.1.
Variant type: single nucleotide variant.
Coding change: c.1045A>G on transcript NM_000069.3 (MANE Select); coding-DNA position 1045, A replaced by G.
Protein change: p.Thr349Ala; replaces threonine 349 with alanine.
Molecular consequence: missense variant.
Genome position (GRCh38, 1-based): chr1:201,085,541, T>C on the plus strand (A>G on the coding strand, the complement: CACNA1S is on the minus strand). VCF-style: chr1-201085541-T-C. GRCh37 (hg19) VCF-style: chr1-201054669-T-C.
Other names: c.1045A>G (NM_000069.2); short protein forms T349A.
Identifiers: ClinVar variation 1430815 (VCV001430815.11), dbSNP rs752737494, ClinGen allele CA077924.

ClinVar aggregate classification (germline): Uncertain significance. Review status: criteria provided, multiple submitters, no conflicts (2 of 4 stars). 6 submissions from 3 submitters: Uncertain significance (6). Last evaluated 2023-04-18.

Conditions:
Congenital myopathy 18. Also called: DIHYDROPYRIDINE RECEPTOR CONGENITAL MYOPATHY; DHPR CONGENITAL MYOPATHY; Myopathy, congenital, due to dihydropyridine receptor defect. Identifiers: MedGen C5830283, MONDO:0859514, OMIM 620246.
Thyrotoxic periodic paralysis, susceptibility to, 1 (TTPP1). Identifiers: Orphanet 79102, MedGen C2749982, MONDO:0008570, OMIM 188580.
Hypokalemic periodic paralysis, type 1. Also called: HypoPP; Hypokalemic Periodic Paralysis Type 1 (AD). Identifiers: Orphanet 681, MedGen C3714580, MONDO:0042979, OMIM 170400.
Malignant hyperthermia, susceptibility to, 5 (MHS5). Also called: CACNA1S-Related Malignant Hyperthermia Susceptibility. Identifiers: Orphanet 423, MedGen C1866077, MONDO:0011163, OMIM 601887.

Allele frequency attached by ClinVar (database versions not stated): gnomAD exomes 0.00001; ExAC 0.00002.
gnomAD v4.1: 5 of 1,613,264 alleles (0.00031%); highest among the groups gnomAD compares: East Asian, 0.0089%; no homozygotes.

Submissions (6):

GeneDx
Classification: Uncertain significance. Last evaluated: 2023-04-18. Review status: criteria provided, single submitter. Criteria: GeneDx Variant Classification Process June 2021. Collection method: clinical testing. Allele origin: germline. Affected: yes.
Comment: In silico analysis supports that this missense variant does not alter protein structure/function; Has not been previously published as pathogenic or benign to our knowledge

Genome-Nilou Lab
Classification: Uncertain significance for Malignant hyperthermia, susceptibility to, 5. Last evaluated: 2023-04-11. Review status: criteria provided, single submitter. Criteria: ACMG Guidelines, 2015. Collection method: clinical testing. Allele origin: germline. Affected: no.

Genome-Nilou Lab
Classification: Uncertain significance for Thyrotoxic periodic paralysis, susceptibility to, 1. Last evaluated: 2023-04-11. Review status: criteria provided, single submitter. Criteria: ACMG Guidelines, 2015. Collection method: clinical testing. Allele origin: germline. Affected: no.

Genome-Nilou Lab
Classification: Uncertain significance for Congenital myopathy 18. Last evaluated: 2023-04-11. Review status: criteria provided, single submitter. Criteria: ACMG Guidelines, 2015. Collection method: clinical testing. Allele origin: germline. Affected: no.

Genome-Nilou Lab
Classification: Uncertain significance for Hypokalemic periodic paralysis, type 1. Last evaluated: 2023-04-11. Review status: criteria provided, single submitter. Criteria: ACMG Guidelines, 2015. Collection method: clinical testing. Allele origin: germline. Affected: no.

Labcorp Genetics (formerly Invitae), Labcorp
Classification: Uncertain significance for Hypokalemic periodic paralysis, type 1; Malignant hyperthermia, susceptibility to, 5. Last evaluated: 2021-07-28. Review status: criteria provided, single submitter. Criteria: Invitae Variant Classification Sherloc (09022015). Collection method: clinical testing. Allele origin: germline.
Comment: This sequence change replaces threonine with alanine at codon 349 of the CACNA1S protein (p.Thr349Ala). The threonine residue is moderately conserved and there is a small physicochemical difference between threonine and alanine. This variant is present in population databases (rs752737494, ExAC 0.02%). This variant has not been reported in the literature in individuals with CACNA1S-related conditions. Advanced modeling of protein sequence and biophysical properties (such as structural, functional, and spatial information, amino acid conservation, physicochemical variation, residue mobility, and thermodynamic stability) performed at Invitae indicates that this missense variant is not expected to disrupt CACNA1S protein function. In summary, the available evidence is currently insufficient to determine the role of this variant in disease. Therefore, it has been classified as a Variant of Uncertain Significance.